The following is an entry in ClinVar:

NM_000038.6(APC):c.2419G>A (p.Asp807Asn)

Gene: APC (APC regulator of Wnt signaling pathway; plus strand). Cytogenetic location: 5q22.2.
Variant type: single nucleotide variant.
Coding change: c.2419G>A on transcript NM_000038.6 (MANE Select); coding-DNA position 2419, G replaced by A.
Protein change: p.Asp807Asn; replaces aspartic acid 807 with asparagine.
Molecular consequence: missense variant.
Genome position (GRCh38, 1-based): chr5:112,838,013, G>A. VCF-style: chr5-112838013-G-A. GRCh37 (hg19) VCF-style: chr5-112173710-G-A.
Other names: c.2419G>A, p.Asp807Asn (NM_001127510.3, NM_001354895.2); c.2365G>A, p.Asp789Asn (NM_001127511.3); c.2473G>A, p.Asp825Asn (NM_001354896.2); c.2449G>A, p.Asp817Asn (NM_001354897.2); c.2344G>A, p.Asp782Asn (NM_001354898.2); c.2335G>A, p.Asp779Asn (NM_001354899.2); c.2296G>A, p.Asp766Asn (NM_001354900.2); c.2242G>A, p.Asp748Asn (NM_001354901.2); and 5 more; short protein forms D524N, D647N, D779N, D817N, D681N, D706N, D766N, D789N.
Identifiers: ClinVar variation 821252 (VCV000821252.14), dbSNP rs1580621879, ClinGen allele CA16026642.

ClinVar aggregate classification (germline): Uncertain significance. Review status: criteria provided, multiple submitters, no conflicts (2 of 4 stars). 3 submissions from 3 submitters: Uncertain significance (3). Last evaluated 2024-12-30.

Conditions:
Familial adenomatous polyposis 1 (FAP1). Also called: FAMILIAL ADENOMATOUS POLYPOSIS 1, ATTENUATED; POLYPOSIS, ADENOMATOUS INTESTINAL. Identifiers: MedGen C2713442, MONDO:0021056, OMIM 175100. Disease mechanism: loss of function.
Hereditary cancer-predisposing syndrome. Also called: Neoplastic Syndromes, Hereditary; Tumor predisposition; Hereditary Cancer Syndrome; Hereditary neoplastic syndrome. Identifiers: Orphanet 140162, MedGen C0027672, MeSH D009386, MONDO:0015356.

Submissions (3):

Labcorp Genetics (formerly Invitae), Labcorp
Classification: Uncertain significance for Familial adenomatous polyposis 1. Last evaluated: 2024-12-30. Review status: criteria provided, single submitter. Criteria: Invitae Variant Classification Sherloc (09022015). Collection method: clinical testing. Allele origin: germline.
Comment: This sequence change replaces aspartic acid, which is acidic and polar, with asparagine, which is neutral and polar, at codon 807 of the APC protein (p.Asp807Asn). This variant is not present in population databases (gnomAD no frequency). This variant has not been reported in the literature in individuals affected with APC-related conditions. ClinVar contains an entry for this variant (Variation ID: 821252). Invitae Evidence Modeling of protein sequence and biophysical properties (such as structural, functional, and spatial information, amino acid conservation, physicochemical variation, residue mobility, and thermodynamic stability) indicates that this missense variant is not expected to disrupt APC protein function with a negative predictive value of 95%. In summary, the available evidence is currently insufficient to determine the role of this variant in disease. Therefore, it has been classified as a Variant of Uncertain Significance.

Ambry Genetics
Classification: Uncertain significance for Hereditary cancer-predisposing syndrome. Last evaluated: 2022-09-27. Review status: criteria provided, single submitter. Criteria: Ambry Variant Classification Scheme 2023. Collection method: clinical testing. Allele origin: germline.
Comment: The p.D807N variant (also known as c.2419G>A), located in coding exon 15 of the APC gene, results from a G to A substitution at nucleotide position 2419. The aspartic acid at codon 807 is replaced by asparagine, an amino acid with highly similar properties. This amino acid position is highly conserved in available vertebrate species. In addition, in silico predictors for this gene do not accurately predict pathogenicity. Since supporting evidence is limited at this time, the clinical significance of this alteration remains unclear.

GeneDx
Classification: Uncertain significance. Last evaluated: 2019-05-23. Review status: criteria provided, single submitter. Criteria: GeneDx Variant Classification Process June 2021. Collection method: clinical testing. Allele origin: germline. Affected: yes.
Comment: Not observed at a significant frequency in large population cohorts (Lek et al., 2016); Has not been previously published as pathogenic or benign to our knowledge